The following is an entry in ClinVar:

NM_005222.4(DLX6):c.134CGC[13] (p.Pro53_Gln54insProProProPro)

Genes: DLX6 (distal-less homeobox 6; plus strand), DLX6-AS1 (DLX6 antisense RNA 1; minus strand). Cytogenetic location: 7q21.3.
Variant type: Microsatellite.
Coding change: c.134CGC[13] on transcript NM_005222.4 (MANE Select); 13 copies in a row of the 3-base unit CGC starting at c.134; the reference has nine copies in a row; four copies, 12 bases duplicated.
Protein change: p.Pro53_Gln54insProProProPro.
Genome position (GRCh38, 1-based): chr7:97,006,126-97,006,137, CGCCGCCGCCGC duplicated; duplicating any 12 consecutive bases within chr7:97,006,109-97,006,137 gives the same sequence; the position shown is the placement nearest the transcript's 3' end. VCF-style (leftmost placement, unchanged base first): chr7-97006108-A-AGCCGCCGCCGCC. GRCh37 (hg19) VCF-style: chr7-96635420-A-AGCCGCCGCCGCC.
Identifiers: ClinVar variation 3705242 (VCV003705242.2).

ClinVar aggregate classification (germline): Uncertain significance (1 of 4 stars; one submission).

Submission:

Labcorp Genetics (formerly Invitae), Labcorp
Classification: Uncertain significance. Last evaluated: 2024-12-24. Review status: criteria provided, single submitter. Criteria: Invitae Variant Classification Sherloc (09022015). Collection method: clinical testing. Allele origin: germline.
Comment: This variant, c.149_160dup, results in the insertion of 4 amino acid(s) of the DLX6 protein (p.Pro50_Pro53dup), but otherwise preserves the integrity of the reading frame. This variant is not present in population databases (gnomAD no frequency). This variant has not been reported in the literature in individuals affected with DLX6-related conditions. In summary, the available evidence is currently insufficient to determine the role of this variant in disease. Therefore, it has been classified as a Variant of Uncertain Significance.